The following is an entry in ClinVar:

ClinVar aggregate classification (germline): Uncertain significance (1 of 4 stars; one submission).

Conditions:
Developmental and epileptic encephalopathy, 53. Also called: Epileptic encephalopathy, early infantile, 53. Identifiers: MedGen C4479313, MONDO:0033362, OMIM 617389.
Early-onset Parkinson disease 20. Also called: PARKINSON DISEASE 20, AUTOSOMAL RECESSIVE EARLY-ONSET. Identifiers: Orphanet 391411, MedGen C3809824, MONDO:0014233, OMIM 615530.

Submission:

Labcorp Genetics (formerly Invitae), Labcorp
Classification: Uncertain significance for Developmental and epileptic encephalopathy, 53; Early-onset Parkinson disease 20. Last evaluated: 2020-01-27. Review status: criteria provided, single submitter. Criteria: Invitae Variant Classification Sherloc (09022015). Collection method: clinical testing. Allele origin: germline.
Comment: This sequence change replaces histidine with glutamine at codon 1333 of the SYNJ1 protein (p.His1333Gln). The histidine residue is weakly conserved and there is a small physicochemical difference between histidine and glutamine. This variant is not present in population databases (ExAC no frequency). This variant has not been reported in the literature in individuals with SYNJ1-related disease. Algorithms developed to predict the effect of missense changes on protein structure and function output the following: SIFT: "Tolerated"; PolyPhen-2: "Benign"; Align-GVGD: "Class C0". The glutamine amino acid residue is found in multiple mammalian species, suggesting that this missense change does not adversely affect protein function. These predictions have not been confirmed by published functional studies and their clinical significance is uncertain. In summary, the available evidence is currently insufficient to determine the role of this variant in disease. Therefore, it has been classified as a Variant of Uncertain Significance.

NM_203446.3(SYNJ1):c.3882T>G (p.His1294Gln)

Gene: SYNJ1 (synaptojanin 1; minus strand). Cytogenetic location: 21q22.11.
Variant type: single nucleotide variant.
Coding change: c.3882T>G on transcript NM_203446.3 (MANE Select); coding-DNA position 3882, T replaced by G.
Protein change: p.His1294Gln; replaces histidine 1294 with glutamine.
Molecular consequence: missense variant.
Genome position (GRCh38, 1-based): chr21:32,638,941, A>C on the plus strand (T>G on the coding strand, the complement: SYNJ1 is on the minus strand). VCF-style: chr21-32638941-A-C. GRCh37 (hg19) VCF-style: chr21-34011251-A-C.
Other names: c.3834T>G, p.His1278Gln (NM_001160302.2); c.3741T>G, p.His1247Gln (NM_001160306.2); c.3999T>G, p.His1333Gln (NM_003895.4); short protein forms H1333Q, H1247Q, H1278Q, H1294Q.
Identifiers: ClinVar variation 576646 (VCV000576646.9), dbSNP rs1569025711, ClinGen allele CA410086529.